The following is an entry in ClinVar:

ClinVar aggregate classification (germline): Uncertain significance (1 of 4 stars; one submission).

Conditions:
Cystic fibrosis (CF). Also called: MUCOVISCIDOSIS. Identifiers: Orphanet 586, MedGen C0010674, MONDO:0009061, OMIM 219700. Disease mechanism: loss of function.

Submission:

Ambry Genetics
Classification: Uncertain significance for Cystic fibrosis. Last evaluated: 2026-08-14. Review status: criteria provided, single submitter. Criteria: Ambry Variant Classification Scheme 2023. Collection method: clinical testing. Allele origin: germline.
Comment: The p.K1302N variant (also known as c.3906A>C), located in coding exon 24 of the CFTR gene, results from an A to C substitution at nucleotide position 3906. The lysine at codon 1302 is replaced by asparagine, an amino acid with similar properties. This amino acid position is well conserved in available vertebrate species. In addition, the in silico prediction for this alteration is inconclusive. Based on the available evidence, the clinical significance of this variant remains unclear.

NM_000492.4(CFTR):c.3906A>C (p.Lys1302Asn)

Gene: CFTR (CF transmembrane conductance regulator; plus strand). Cytogenetic location: 7q31.2.
Variant type: single nucleotide variant.
Coding change: c.3906A>C on transcript NM_000492.4 (MANE Select); coding-DNA position 3906, A replaced by C.
Protein change: p.Lys1302Asn; replaces lysine 1302 with asparagine.
Molecular consequence: missense variant.
Genome position (GRCh38, 1-based): chr7:117,652,874, A>C. VCF-style: chr7-117652874-A-C. GRCh37 (hg19) VCF-style: chr7-117292928-A-C.
Other names: short protein forms K1302N.
Identifiers: ClinVar variation 5034419 (VCV005034419.1).